The following is an entry in ClinVar:

NM_004260.4(RECQL4):c.635T>G (p.Leu212Arg)

Gene: RECQL4 (RecQ like helicase 4; minus strand). Cytogenetic location: 8q24.3.
Variant type: single nucleotide variant.
Coding change: c.635T>G on transcript NM_004260.4 (MANE Select); coding-DNA position 635, T replaced by G.
Protein change: p.Leu212Arg; replaces leucine 212 with arginine.
Molecular consequence: missense variant.
Genome position (GRCh38, 1-based): chr8:144,516,484, A>C on the plus strand (T>G on the coding strand, the complement: RECQL4 is on the minus strand). VCF-style: chr8-144516484-A-C. GRCh37 (hg19) VCF-style: chr8-145741868-A-C.
Other names: short protein forms L212R.
Identifiers: ClinVar variation 1350654 (VCV001350654.6), dbSNP rs2130725247, ClinGen allele CA372689985.
Genomic context (GRCh38, chr8:144,516,484, plus strand): 5'-GCACCAGGACCAAGGACAGCCGACTCACCAGGGATCAGAAGTTGTGATTCCTCTGAGCCT[A>C]GATCAGGCCTGCAGGCTTTGGGGGCCCCCAGAAAATCTGGGACCTCACTGTGACATCGCT-3'
Protein context (NP_004251.4, residues 202-222): LGAPKACRPD[Leu212Arg]GSEESQLLIP

ClinVar aggregate classification (germline): Uncertain significance (1 of 4 stars; one submission).

Conditions:
Baller-Gerold syndrome (BGS). Also called: CRANIOSYNOSTOSIS WITH RADIAL DEFECTS. Identifiers: Orphanet 1225, MedGen C0265308, MONDO:0009039, OMIM 218600.

Submission:

Labcorp Genetics (formerly Invitae), Labcorp
Classification: Uncertain significance for Baller-Gerold syndrome. Last evaluated: 2021-05-07. Review status: criteria provided, single submitter. Criteria: Invitae Variant Classification Sherloc (09022015). Collection method: clinical testing. Allele origin: germline.
Comment: This sequence change replaces leucine with arginine at codon 212 of the RECQL4 protein (p.Leu212Arg). The leucine residue is moderately conserved and there is a moderate physicochemical difference between leucine and arginine. This variant is not present in population databases (ExAC no frequency). In summary, the available evidence is currently insufficient to determine the role of this variant in disease. Therefore, it has been classified as a Variant of Uncertain Significance. Experimental studies and prediction algorithms are not available or were not evaluated, and the functional significance of this variant is currently unknown. This variant has not been reported in the literature in individuals with RECQL4-related conditions.